The following is an entry in ClinVar:

NM_000843.4(GRM6):c.1848C>T (p.Val616=)

Genes: GRM6 (glutamate metabotropic receptor 6; minus strand), ZNF454 (zinc finger protein 454; plus strand). Cytogenetic location: 5q35.3.
Variant type: single nucleotide variant.
Coding change: c.1848C>T on transcript NM_000843.4 (MANE Select); coding-DNA position 1848, C replaced by T.
Protein change: p.Val616=; no amino-acid change (valine 616 retained).
Molecular consequence: synonymous variant.
Genome position (GRCh38, 1-based): chr5:178,986,406, G>A on the plus strand (C>T on the coding strand, the complement: GRM6 is on the minus strand). VCF-style: chr5-178986406-G-A. GRCh37 (hg19) VCF-style: chr5-178413407-G-A.
Identifiers: ClinVar variation 99635 (VCV000099635.37), dbSNP rs62638213, ClinGen allele CA227657.
Genomic context (GRCh38, chr5:178,986,406, plus strand): 5'-GGCGTAGATGAGGAAGATGCCGGTGAGGAGGACGTAGCTGAGCTCTCGGCCCGAGGCCCG[G>A]ACGATGGGCGTGTTGTTGTACCGCACGAAGGTGGCCACCACCGTGGTAGTGGCCACGATG-3'
Protein context (NP_000834.2, residues 606-626): TFVRYNNTPI[Val616=]RASGRELSYV

ClinVar aggregate classification (germline): Benign/Likely benign. Review status: criteria provided, multiple submitters, no conflicts (2 of 4 stars). 5 submissions from 5 submitters: Benign (1); Likely benign (3). 1 of the submissions does not count toward it. Last evaluated 2025-11-10.

Allele frequency attached by ClinVar (database versions not stated): TOPMed 0.00052; gnomAD exomes 0.00074 and 0.00082; ExAC 0.00090; ESP Exome Variant Server 0.00092; gnomAD 0.00103 and 0.00107.
gnomAD v4.1: 1,344 of 1,613,794 alleles (0.083%); highest among the groups gnomAD compares: Non-Finnish European, 0.1%; 4 homozygotes.

Submissions (5):

Labcorp Genetics (formerly Invitae), Labcorp
Classification: Benign. Last evaluated: 2025-11-10. Review status: criteria provided, single submitter. Criteria: Invitae Variant Classification Sherloc (09022015). Collection method: clinical testing. Allele origin: germline.

Laboratory of Genetics, Children's Clinical University Hospital Latvia
Classification: Likely benign. Last evaluated: 2025-02-16. Review status: criteria provided, single submitter. Criteria: ACMG Guidelines, 2015. Collection method: clinical testing. Allele origin: germline. Affected: yes.

Blueprint Genetics
Classification: Likely benign. Last evaluated: 2024-11-13. Review status: criteria provided, single submitter. Criteria: ACMG Guidelines, 2015. Collection method: clinical testing. Allele origin: germline.

CeGaT Center for Human Genetics Tuebingen
Classification: Likely benign. Last evaluated: 2023-01-01. Review status: criteria provided, single submitter. Criteria: CeGaT Center For Human Genetics Tuebingen Variant Classification Criteria Version 2. Collection method: clinical testing. Allele origin: germline. Affected: yes. Observed: 1 variant allele.
Comment: GRM6: BP4, BP7

Retina International
No classification provided. Review status: no classification provided. Collection method: not provided. Allele origin: not provided. Not counted in ClinVar's aggregate classification.